The following is an entry in ClinVar:

NM_024818.6(UBA5):c.857A>G (p.Asn286Ser)

Genes: NPHP3-ACAD11 (NPHP3-ACAD11 readthrough (NMD candidate); minus strand), UBA5 (ubiquitin like modifier activating enzyme 5; plus strand). Cytogenetic location: 3q22.1.
Variant type: single nucleotide variant.
Coding change: c.857A>G on transcript NM_024818.6 (MANE Select); coding-DNA position 857, A replaced by G.
Protein change: p.Asn286Ser; replaces asparagine 286 with serine.
Molecular consequence: missense variant.
Genome position (GRCh38, 1-based): chr3:132,675,292, A>G. VCF-style: chr3-132675292-A-G. GRCh37 (hg19) VCF-style: chr3-132394136-A-G.
Other names: p.Asn286Ser; c.689A>G, p.Asn230Ser (NM_001320210.2, NM_198329.4); c.587A>G, p.Asn196Ser (NM_001321238.2); c.521A>G, p.Asn174Ser (NM_001321239.1); c.857A>G (NM_024818.3, NM_024818.4); short protein forms N174S, N196S, N286S, N230S.
Identifiers: ClinVar variation 1432728 (VCV001432728.10), dbSNP rs769890329, ClinGen allele CA2621471.

ClinVar aggregate classification (germline): Uncertain significance. Review status: criteria provided, multiple submitters, no conflicts (2 of 4 stars). 3 submissions from 3 submitters: Uncertain significance (3). Last evaluated 2025-05-19.

Conditions:
Inborn genetic diseases. Identifiers: MedGen C0950123, MeSH D030342.

Allele frequency attached by ClinVar (database versions not stated): TOPMed below 0.00001; gnomAD 0.00001; gnomAD exomes 0.00001 and 0.00002; ExAC 0.00003.

Submissions (3):

Ambry Genetics
Classification: Uncertain significance for Inborn genetic diseases. Last evaluated: 2025-05-19. Review status: criteria provided, single submitter. Criteria: Ambry Variant Classification Scheme 2023. Collection method: clinical testing. Allele origin: germline.

Mayo Clinic Laboratories, Mayo Clinic
Classification: Uncertain significance. Last evaluated: 2023-11-24. Review status: criteria provided, single submitter. Criteria: ACMG Guidelines, 2015. Collection method: clinical testing. Allele origin: germline. Observed: 1 variant allele.
Comment: BP4

Labcorp Genetics (formerly Invitae), Labcorp
Classification: Uncertain significance. Last evaluated: 2021-06-12. Review status: criteria provided, single submitter. Criteria: Invitae Variant Classification Sherloc (09022015). Collection method: clinical testing. Allele origin: germline.
Comment: In summary, the available evidence is currently insufficient to determine the role of this variant in disease. Therefore, it has been classified as a Variant of Uncertain Significance. Algorithms developed to predict the effect of missense changes on protein structure and function are either unavailable or do not agree on the potential impact of this missense change (SIFT: "Not Available"; PolyPhen-2: "Benign"; Align-GVGD: "Not Available"). This variant has not been reported in the literature in individuals with UBA5-related conditions. This variant is present in population databases (rs769890329, ExAC 0.03%). This sequence change replaces asparagine with serine at codon 286 of the UBA5 protein (p.Asn286Ser). The asparagine residue is highly conserved and there is a small physicochemical difference between asparagine and serine.